The following is an entry in ClinVar:

ClinVar aggregate classification (germline): Uncertain significance (1 of 4 stars; one submission).

Conditions:
Beckwith-Wiedemann syndrome (BWS). Also called: EMG SYNDROME; Exomphalos macroglossia gigantism syndrome. Identifiers: Orphanet 116, MedGen C0004903, MONDO:0007534, OMIM 130650.

Submission:

Labcorp Genetics (formerly Invitae), Labcorp
Classification: Uncertain significance for Beckwith-Wiedemann syndrome. Last evaluated: 2025-09-22. Review status: criteria provided, single submitter. Criteria: Invitae Variant Classification Sherloc (09022015). Collection method: clinical testing. Allele origin: germline.
Comment: This sequence change falls in intron 1 of the CDKN1C gene. It does not directly change the encoded amino acid sequence of the CDKN1C protein. This variant is not present in population databases (gnomAD no frequency). This variant has not been reported in the literature in individuals affected with CDKN1C-related conditions. Algorithms developed to predict the effect of sequence changes on RNA splicing suggest that this variant may disrupt the consensus splice site. In summary, the available evidence is currently insufficient to determine the role of this variant in disease. Therefore, it has been classified as a Variant of Uncertain Significance.

NM_001122630.2(CDKN1C):c.788-17C>A

Gene: CDKN1C (cyclin dependent kinase inhibitor 1C; minus strand). Cytogenetic location: 11p15.4.
Variant type: single nucleotide variant.
Coding change: c.788-17C>A on transcript NM_001122630.2 (MANE Select); 17 bases into the intron before coding-DNA position 788, C replaced by A.
Molecular consequence: intron variant.
Genome position (GRCh38, 1-based): chr11:2,884,151, G>T on the plus strand (C>A on the coding strand, the complement: CDKN1C is on the minus strand). VCF-style: chr11-2884151-G-T. GRCh37 (hg19) VCF-style: chr11-2905381-G-T.
Other names: c.256-17C>A (NM_001362475.2); c.788-17C>A (NM_001122631.2); c.821-17C>A (NM_001362474.2, NM_000076.2).
Identifiers: ClinVar variation 4727661 (VCV004727661.1).